The following is an entry in ClinVar:

NM_004006.3(DMD):c.94-9del

Gene: DMD (dystrophin; minus strand). Cytogenetic location: Xp21.1.
Variant type: Deletion.
Coding change: c.94-9del on transcript NM_004006.3 (MANE Select); 9 bases into the intron before coding-DNA position 94, one base deleted (T; older notation c.94-9delT).
Molecular consequence: intron variant.
Genome position (GRCh38, 1-based): chrX:32,849,829, A deleted on the plus strand (T on the coding strand, the reverse complement: DMD is on the minus strand); the first of 8 consecutive A bases (chrX:32,849,829-32,849,836); deleting any one gives the same sequence. VCF-style (leftmost placement, unchanged base first): chrX-32849828-TA-T. GRCh37 (hg19) VCF-style: chrX-32867945-TA-T.
Other names: c.70-9del (NM_000109.4); c.82-9del (NM_004009.3); c.-276-9del (NM_004010.3); c.94-9delT (NM_004006.2).
Identifiers: ClinVar variation 1254547 (VCV001254547.6), dbSNP rs3834997, ClinGen allele CA10380254.

ClinVar aggregate classification (germline): Benign/Likely benign. Review status: criteria provided, multiple submitters, no conflicts (2 of 4 stars). 3 submissions from 3 submitters: Benign (1); Likely benign (1). 1 of the submissions does not count toward it. Last evaluated 2024-02-14.

Conditions:
DMD-related disorder. Also called: DMD-related condition.
Duchenne muscular dystrophy (DMD). Also called: MUSCULAR DYSTROPHY, PSEUDOHYPERTROPHIC PROGRESSIVE, DUCHENNE TYPE; Duchenne Muscular Dystrophy (DMD). Identifiers: Orphanet 98896, MedGen C0013264, MONDO:0010679, OMIM 310200.

Submissions (3):

Labcorp Genetics (formerly Invitae), Labcorp
Classification: Benign for Duchenne muscular dystrophy. Last evaluated: 2024-02-14. Review status: criteria provided, single submitter. Criteria: Invitae Variant Classification Sherloc (09022015). Collection method: clinical testing. Allele origin: germline.

GeneDx
Classification: Likely benign. Last evaluated: 2021-01-27. Review status: criteria provided, single submitter. Criteria: GeneDx Variant Classification Process June 2021. Collection method: clinical testing. Allele origin: germline. Affected: yes.

PreventionGenetics, part of Exact Sciences
Classification: Likely benign for DMD-related condition. Last evaluated: 2022-08-26. Review status: no assertion criteria provided. Collection method: clinical testing. Allele origin: germline. Not counted in ClinVar's aggregate classification.
Comment: This variant is classified as likely benign based on ACMG/AMP sequence variant interpretation guidelines (Richards et al. 2015 PMID: 25741868, with internal and published modifications).